The following is an entry in ClinVar:

ClinVar aggregate classification (germline): Likely benign. Review status: criteria provided, multiple submitters, no conflicts (2 of 4 stars). 3 submissions from 3 submitters: Likely benign (3). Last evaluated 2023-11-28.

Conditions:
RYR1-related disorder. Also called: RYR1-related disorders; RYR1-related condition. Identifiers: MedGen CN239331.
Malignant hyperthermia, susceptibility to, 1 (MHS1). Also called: Malignant hyperthermia suceptibility 1; RYR1-Related Malignant Hyperthermia Susceptibility; Anesthesia related hyperthermia; Malignant hyperpyrexia; Fulminating hyperpyrexia; Pharmacogenic myopathy. Identifiers: Orphanet 423, MedGen C2930980, MONDO:0007783, OMIM 145600.

gnomAD v4.1: 6 of 1,614,064 alleles (0.00037%); highest among the groups gnomAD compares: Non-Finnish European, 0.00051%; no homozygotes.

Submissions (3):

Blueprint Genetics
Classification: Likely benign. Last evaluated: 2023-11-28. Review status: criteria provided, single submitter. Criteria: ACMG Guidelines, 2015. Collection method: clinical testing. Allele origin: germline.

All of Us Research Program, National Institutes of Health
Classification: Likely benign for Malignant hyperthermia, susceptibility to, 1. Last evaluated: 2023-03-23. Review status: criteria provided, single submitter. Criteria: ACMG Guidelines, 2015. Collection method: clinical testing. Allele origin: germline. Inheritance: Autosomal dominant inheritance. Observed: 2 variant alleles, 2 heterozygotes.
Comment: This study involves interpretation of variants in research participants for the purpose of population health screening. Participant phenotype was not available at the time of variant classification. Additional details can be found in publication PMID: 35346344, PMCID: PMC8962531

Labcorp Genetics (formerly Invitae), Labcorp
Classification: Likely benign for RYR1-related disorder. Last evaluated: 2021-06-17. Review status: criteria provided, single submitter. Criteria: Invitae Variant Classification Sherloc (09022015). Collection method: clinical testing. Allele origin: germline.

NM_000540.3(RYR1):c.3318C>G (p.Pro1106=)

Gene: RYR1 (ryanodine receptor 1; plus strand). Cytogenetic location: 19q13.2.
Variant type: single nucleotide variant.
Coding change: c.3318C>G on transcript NM_000540.3 (MANE Select); coding-DNA position 3318, C replaced by G.
Protein change: p.Pro1106=; no amino-acid change (proline 1106 retained).
Molecular consequence: synonymous variant.
Genome position (GRCh38, 1-based): chr19:38,467,749, C>G. VCF-style: chr19-38467749-C-G. GRCh37 (hg19) VCF-style: chr19-38958389-C-G.
Other names: c.3318C>G, p.Pro1106= (NM_001042723.2).
Identifiers: ClinVar variation 1089714 (VCV001089714.11), dbSNP rs377584912, ClinGen allele CA507234783.